The following is an entry in ClinVar:

ClinVar aggregate classification (germline): Conflicting classifications of pathogenicity. Review status: criteria provided, conflicting classifications (1 of 4 stars). 3 submissions from 3 submitters: Uncertain significance (1); Likely benign (2). Last evaluated 2026-01-21.

Conditions:
Bilateral frontoparietal polymicrogyria. Also called: CORTICAL DYSPLASIA, COMPLEX, WITH OTHER BRAIN MALFORMATIONS 14A (BILATERAL FRONTOPARIETAL); CEREBELLAR ATAXIA WITH NEURONAL MIGRATION DEFECT. Identifiers: Orphanet 101070, MedGen C1847352, MONDO:0011738, OMIM 606854.

Allele frequency attached by ClinVar (database versions not stated): gnomAD 0.00001; TOPMed 0.00004; gnomAD exomes 0.00006 and 0.00014; ExAC 0.00007.
gnomAD v4.1: 37 of 1,579,434 alleles (0.0023%); highest among the groups gnomAD compares: Admixed American, 0.061%; no homozygotes.

Submissions (3):

Labcorp Genetics (formerly Invitae), Labcorp
Classification: Likely benign. Last evaluated: 2026-01-21. Review status: criteria provided, single submitter. Criteria: Invitae Variant Classification Sherloc (09022015). Collection method: clinical testing. Allele origin: germline.

Illumina Laboratory Services, Illumina
Classification: Uncertain significance for Bilateral frontoparietal polymicrogyria. Last evaluated: 2018-01-13. Review status: criteria provided, single submitter. Criteria: ICSL Variant Classification Criteria 13 December 2019. Collection method: clinical testing. Allele origin: germline.

GeneDx
Classification: Likely benign. Last evaluated: 2017-12-22. Review status: criteria provided, single submitter. Criteria: GeneDx Variant Classification (06012015). Collection method: clinical testing. Allele origin: germline. Affected: yes.
Comment: This variant is considered likely benign or benign based on one or more of the following criteria: it is a conservative change, it occurs at a poorly conserved position in the protein, it is predicted to be benign by multiple in silico algorithms, and/or has population frequency not consistent with disease.

NM_201525.4(ADGRG1):c.1063+8T>C

Gene: ADGRG1 (adhesion G protein-coupled receptor G1; plus strand). Cytogenetic location: 16q21.
Variant type: single nucleotide variant.
Coding change: c.1063+8T>C on transcript NM_201525.4 (MANE Select); 8 bases into the intron after coding-DNA position 1063, T replaced by C.
Molecular consequence: intron variant.
Genome position (GRCh38, 1-based): chr16:57,656,279, T>C. VCF-style: chr16-57656279-T-C. GRCh37 (hg19) VCF-style: chr16-57690191-T-C.
Other names: c.1063+8T>C (NM_001370440.1, NM_001370428.1, NM_001370436.1 and 14 more transcripts); c.553+8T>C (NM_001290142.2); c.538+8T>C (NM_001370451.1, NM_001290143.2, NM_001370453.1 and 2 more transcripts); c.1060+8T>C (NM_001370434.1, NM_001370441.1); c.907+8T>C (NM_001370442.1); c.1078+8T>C (NM_001370433.1, NM_001145773.3).
Identifiers: ClinVar variation 514176 (VCV000514176.13), dbSNP rs760949956, ClinGen allele CA8078621.
Genomic context (GRCh38, chr16:57,656,279, plus strand): 5'-CCTACAGAAGAATGTGACTCTGCAATGTGTGTTCTGGGTTGAAGACCCCACATGTGAGTA[T>C]GCAGGGGTCTCTGGGCTGGACAAGTATCTGGAAGAGAAATAGAGTCCTGGGGGGTGGGGG-3'